The following is an entry in ClinVar:

ClinVar aggregate classification (germline): Pathogenic (1 of 4 stars; one submission).

Submission:

Labcorp Genetics (formerly Invitae), Labcorp
Classification: Pathogenic. Last evaluated: 2023-10-11. Review status: criteria provided, single submitter. Criteria: Invitae Variant Classification Sherloc (09022015). Collection method: clinical testing. Allele origin: germline.
Comment: This sequence change creates a premature translational stop signal (p.Pro804Glnfs*3) in the NSD1 gene. It is expected to result in an absent or disrupted protein product. Loss-of-function variants in NSD1 are known to be pathogenic (PMID: 12464997, 14571271, 15942875, 16247291). This variant is not present in population databases (gnomAD no frequency). This premature translational stop signal has been observed in individual(s) with Sotos syndrome (PMID: 15742365). In at least one individual the variant was observed to be de novo. This variant is also known as 2407delC (P804fsX806). For these reasons, this variant has been classified as Pathogenic.

Literature cited by the submitters: PubMed 12464997; PubMed 14571271; PubMed 15942875; PubMed 16247291; PubMed 15742365.

NM_022455.5(NSD1):c.2411del (p.Pro804fs)

Gene: NSD1 (nuclear receptor binding SET domain protein 1; plus strand). Cytogenetic location: 5q35.3.
Variant type: Deletion.
Coding change: c.2411del on transcript NM_022455.5 (MANE Select); coding-DNA position 2411, one base deleted (C; older notation c.2411delC).
Protein change: p.Pro804fs; shifts the reading frame from proline 804.
Molecular consequence: frameshift variant.
Genome position (GRCh38, 1-based): chr5:177,210,810, C deleted; the last of 5 consecutive C bases (chr5:177,210,806-177,210,810); deleting any one gives the same sequence. VCF-style (leftmost placement, unchanged base first): chr5-177210805-AC-A. GRCh37 (hg19) VCF-style: chr5-176637806-AC-A.
Other names: c.1538del, p.Pro513fs (NM_001365684.2, NM_001409306.1, NM_001409307.1 and 3 more transcripts); c.2411del, p.Pro804fs (NM_001409301.1, NM_001409302.1, NM_001409303.1); c.1991del, p.Pro664fs (NM_001409304.1); c.1658del, p.Pro553fs (NM_001409305.1); short protein forms P804fs, P513fs, P553fs, P664fs.
Identifiers: ClinVar variation 3720665 (VCV003720665.2).